The following is an entry in ClinVar:

NM_177438.3(DICER1):c.4287G>T (p.Trp1429Cys)

Gene: DICER1 (dicer 1, ribonuclease III; minus strand). Cytogenetic location: 14q32.13.
Variant type: single nucleotide variant.
Coding change: c.4287G>T on transcript NM_177438.3 (MANE Select); coding-DNA position 4287, G replaced by T.
Protein change: p.Trp1429Cys; replaces tryptophan 1429 with cysteine.
Molecular consequence: missense variant.
Genome position (GRCh38, 1-based): chr14:95,096,633, C>A on the plus strand (G>T on the coding strand, the complement: DICER1 is on the minus strand). VCF-style: chr14-95096633-C-A. GRCh37 (hg19) VCF-style: chr14-95562970-C-A.
Other names: c.4287G>T, p.Trp1429Cys (NM_001195573.1, NM_001271282.3, NM_001291628.2 and 1 more transcripts); short protein forms W1429C.
Identifiers: ClinVar variation 1013717 (VCV001013717.10), dbSNP rs1890372937, ClinGen allele CA390869522.

ClinVar aggregate classification (germline): Uncertain significance (1 of 4 stars; one submission).

Conditions:
DICER1-related tumor predisposition. Also called: DICER1-related pleuropulmonary blastoma cancer predisposition syndrome; DICER1 syndrome. Identifiers: Orphanet 284343, MedGen C3839822, MONDO:0100216.

Submission:

Labcorp Genetics (formerly Invitae), Labcorp
Classification: Uncertain significance for DICER1-related tumor predisposition. Last evaluated: 2022-07-21. Review status: criteria provided, single submitter. Criteria: Invitae Variant Classification Sherloc (09022015). Collection method: clinical testing. Allele origin: germline.
Comment: In summary, the available evidence is currently insufficient to determine the role of this variant in disease. Therefore, it has been classified as a Variant of Uncertain Significance. Algorithms developed to predict the effect of missense changes on protein structure and function are either unavailable or do not agree on the potential impact of this missense change (SIFT: "Deleterious"; PolyPhen-2: "Probably Damaging"; Align-GVGD: "Class C0"). ClinVar contains an entry for this variant (Variation ID: 1013717). This variant has not been reported in the literature in individuals affected with DICER1-related conditions. This variant is not present in population databases (gnomAD no frequency). This sequence change replaces tryptophan, which is neutral and slightly polar, with cysteine, which is neutral and slightly polar, at codon 1429 of the DICER1 protein (p.Trp1429Cys).